The following is an entry in ClinVar:

NM_024642.5(GALNT12):c.275G>A (p.Arg92Gln)

Gene: GALNT12 (polypeptide N-acetylgalactosaminyltransferase 12; plus strand). Cytogenetic location: 9q22.33.
Variant type: single nucleotide variant.
Coding change: c.275G>A on transcript NM_024642.5 (MANE Select); coding-DNA position 275, G replaced by A.
Protein change: p.Arg92Gln; replaces arginine 92 with glutamine.
Molecular consequence: missense variant.
Genome position (GRCh38, 1-based): chr9:98,807,973, G>A. VCF-style: chr9-98807973-G-A. GRCh37 (hg19) VCF-style: chr9-101570255-G-A.
Other names: short protein forms R92Q.
Identifiers: ClinVar variation 2599065 (VCV002599065.3), dbSNP rs1370656109, ClinGen allele CA374222726.

ClinVar aggregate classification (germline): Uncertain significance (1 of 4 stars; one submission).

Allele frequency attached by ClinVar (database versions not stated): TOPMed below 0.00001.
gnomAD v4.1: 3 of 1,477,724 alleles (0.0002%); highest among the groups gnomAD compares: South Asian, 0.0039%; no homozygotes.

Submission:

Ambry Genetics
Classification: Uncertain significance. Last evaluated: 2025-12-14. Review status: criteria provided, single submitter. Criteria: Ambry Variant Classification Scheme 2023. Collection method: clinical testing. Allele origin: germline.
Comment: The p.R92Q variant (also known as c.275G>A), located in coding exon 1 of the GALNT12 gene, results from a G to A substitution at nucleotide position 275. The arginine at codon 92 is replaced by glutamine, an amino acid with highly similar properties. This amino acid position is conserved. In addition, this alteration is predicted to be tolerated by in silico analysis. Since supporting evidence is limited at this time, the clinical significance of this alteration remains unclear.